The following is an entry in ClinVar:

ClinVar aggregate classification (germline): Uncertain significance. Review status: criteria provided, multiple submitters, no conflicts (2 of 4 stars). 2 submissions from 2 submitters: Uncertain significance (2). Last evaluated 2025-12-10.

Conditions:
Inborn genetic diseases. Identifiers: MedGen C0950123, MeSH D030342.

Allele frequency attached by ClinVar (database versions not stated): gnomAD 0.00002; TOPMed 0.00002; gnomAD exomes 0.00012; ExAC 0.00002.
gnomAD v4.1: 181 of 1,613,676 alleles (0.011%); highest among the groups gnomAD compares: East Asian, 0.022%; no homozygotes.

Submissions (2):

Ambry Genetics
Classification: Uncertain significance for Inborn genetic diseases. Last evaluated: 2025-12-10. Review status: criteria provided, single submitter. Criteria: Ambry Variant Classification Scheme 2023. Collection method: clinical testing. Allele origin: germline.

Labcorp Genetics (formerly Invitae), Labcorp
Classification: Uncertain significance. Last evaluated: 2022-03-04. Review status: criteria provided, single submitter. Criteria: Invitae Variant Classification Sherloc (09022015). Collection method: clinical testing. Allele origin: germline.
Comment: This sequence change replaces glutamic acid, which is acidic and polar, with aspartic acid, which is acidic and polar, at codon 453 of the PEPD protein (p.Glu453Asp). This variant is present in population databases (rs766389659, gnomAD 0.005%). This variant has not been reported in the literature in individuals affected with PEPD-related conditions. Algorithms developed to predict the effect of missense changes on protein structure and function output the following: SIFT: "Tolerated"; PolyPhen-2: "Benign"; Align-GVGD: "Class C0". The aspartic acid amino acid residue is found in multiple mammalian species, which suggests that this missense change does not adversely affect protein function. In summary, the available evidence is currently insufficient to determine the role of this variant in disease. Therefore, it has been classified as a Variant of Uncertain Significance.

NM_000285.4(PEPD):c.1359G>C (p.Glu453Asp)

Gene: PEPD (peptidase D; minus strand). Cytogenetic location: 19q13.11.
Variant type: single nucleotide variant.
Coding change: c.1359G>C on transcript NM_000285.4 (MANE Select); coding-DNA position 1359, G replaced by C.
Protein change: p.Glu453Asp; replaces glutamic acid 453 with aspartic acid.
Molecular consequence: missense variant.
Genome position (GRCh38, 1-based): chr19:33,387,467, C>G on the plus strand (G>C on the coding strand, the complement: PEPD is on the minus strand). VCF-style: chr19-33387467-C-G. GRCh37 (hg19) VCF-style: chr19-33878373-C-G.
Other names: c.1236G>C, p.Glu412Asp (NM_001166056.2); c.1167G>C, p.Glu389Asp (NM_001166057.2); c.1359G>C (NM_000285.3); short protein forms E412D, E453D, E389D.
Identifiers: ClinVar variation 2154006 (VCV002154006.2), dbSNP rs766389659, ClinGen allele CA9363881.